The following is an entry in ClinVar:

ClinVar aggregate classification (germline): Uncertain significance (1 of 4 stars; one submission).

gnomAD v4.1: 47 of 1,498,124 alleles (0.0031%); highest among the groups gnomAD compares: South Asian, 0.054%; no homozygotes.

Submission:

Women's Health and Genetics/Laboratory Corporation of America, LabCorp
Classification: Uncertain significance. Last evaluated: 2026-04-27. Review status: criteria provided, single submitter. Criteria: LabCorp Variant Classification Summary - May 2015. Collection method: clinical testing. Allele origin: germline.
Comment: Variant summary: EBF3 c.109G>T (p.Val37Leu) results in a conservative amino acid change in the encoded protein sequence. Algorithms developed to predict the effect of missense changes on protein structure and function are either unavailable or do not agree on the potential impact of this missense change. The variant allele was found at a frequency of 4.1e-05 in 194528 control chromosomes. The available data on variant occurrences in the general population are insufficient to allow any conclusion about variant significance. To our knowledge, no occurrence of c.109G>T in individuals affected with EBF3-related conditions and no experimental evidence demonstrating its impact on protein function have been reported. No submitters have cited clinical-significance assessments for this variant to ClinVar. Based on the evidence outlined above, the variant was classified as uncertain significance.

NM_001375380.1(EBF3):c.109G>T (p.Val37Leu)

Gene: EBF3 (EBF transcription factor 3; minus strand). Cytogenetic location: 10q26.3.
Variant type: single nucleotide variant.
Coding change: c.109G>T on transcript NM_001375380.1 (MANE Select); coding-DNA position 109, G replaced by T.
Protein change: p.Val37Leu; replaces valine 37 with leucine.
Molecular consequence: missense variant.
Genome position (GRCh38, 1-based): chr10:129,963,660, C>A on the plus strand (G>T on the coding strand, the complement: EBF3 is on the minus strand). VCF-style: chr10-129963660-C-A. GRCh37 (hg19) VCF-style: chr10-131761924-C-A.
Other names: c.109G>T, p.Val37Leu (NM_001005463.3, NM_001375379.1, NM_001375389.1 and 3 more transcripts); short protein forms V37L.
Identifiers: ClinVar variation 4849068 (VCV004849068.1).
Genomic context (GRCh38, chr10:129,963,660, plus strand): 5'-CGGGGCCAGGGCGCGCGGGGGCGGCCGGTACGTACCTCTGGGCGGCCGTGTTGGCGTCCA[C>A]CACGCCCGCCGTGTGCATCCACGAGCGCACCGGGTTCATGCCGCTGCCCAGCGGCTCCTC-3'
Protein context (NP_001362309.1, residues 27-47): VRSWMHTAGV[Val37Leu]DANTAAQSGV